The following is an entry in ClinVar:

ClinVar aggregate classification (germline): Pathogenic/Likely pathogenic. Review status: criteria provided, multiple submitters, no conflicts (2 of 4 stars). 5 submissions from 5 submitters: Pathogenic (4); Likely pathogenic (1). Last evaluated 2025-12-03.

Conditions:
POR-related disorder. Also called: POR-related condition.
Congenital adrenal hyperplasia due to cytochrome P450 oxidoreductase deficiency. Also called: DISORDERED STEROIDOGENESIS DUE TO POR DEFICIENCY. Identifiers: Orphanet 95699, MedGen C1860042, MONDO:0013310, OMIM 613571.
Antley-Bixler syndrome with genital anomalies and disordered steroidogenesis (ABS1). Also called: POR Deficiency. Identifiers: Orphanet 63269, MedGen C3150099, MONDO:0008726, OMIM 201750.
Congenital adrenal hyperplasia. Identifiers: Orphanet 418, MedGen C0001627, MONDO:0018479, HP:0008258.

Allele frequency attached by ClinVar (database versions not stated): ExAC 0.00002; gnomAD 0.00002; gnomAD exomes 0.00002; TOPMed 0.00002.

Submissions (5):

PreventionGenetics, part of Exact Sciences
Classification: Pathogenic for POR-related condition. Last evaluated: 2025-12-03. Review status: criteria provided, single submitter. Criteria: ACMG Guidelines, 2015. Collection method: clinical testing. Allele origin: germline.
Comment: The POR c.1363delC variant is predicted to result in a frameshift and premature protein termination (p.Gln455Argfs*90). This variant was reported in individuals with POR deficiency (see for example, Sahakitrungruang et al. 2009. PubMed ID: 19837910; Krone et al. 2012. PubMed ID: 22162478). This variant is reported in 0.0049% of alleles in individuals of European (Non-Finnish) descent in gnomAD. Frameshift variants in POR are expected to be pathogenic. This variant is interpreted as pathogenic.

Women's Health and Genetics/Laboratory Corporation of America, LabCorp
Classification: Pathogenic for Congenital adrenal hyperplasia. Last evaluated: 2025-10-16. Review status: criteria provided, single submitter. Criteria: LabCorp Variant Classification Summary - May 2015. Collection method: clinical testing. Allele origin: germline.
Comment: Variant summary: POR c.1354delC (p.Gln452ArgfsX90) results in a premature termination codon, predicted to cause a truncation of the encoded protein or absence of the protein due to nonsense mediated decay, which are commonly known mechanisms for disease. The variant allele was found at a frequency of 2.1e-05 in 232666 control chromosomes (gnomAD). c.1354delC has been observed in individuals affected with Congenital Adrenal Hyperplasia (Sahakitrungruang_2009, Krone_2012). These reports do not provide unequivocal conclusions about association of the variant with Congenital Adrenal Hyperplasia. To our knowledge, no experimental evidence demonstrating an impact on protein function has been reported. The following publications have been ascertained in the context of this evaluation (PMID: 22162478, 19837910). ClinVar contains an entry for this variant (Variation ID: 632505). Based on the evidence outlined above, the variant was classified as pathogenic.

Labcorp Genetics (formerly Invitae), Labcorp
Classification: Pathogenic for Congenital adrenal hyperplasia due to cytochrome P450 oxidoreductase deficiency. Last evaluated: 2024-06-28. Review status: criteria provided, single submitter. Criteria: Invitae Variant Classification Sherloc (09022015). Collection method: clinical testing. Allele origin: germline.
Comment: This sequence change creates a premature translational stop signal (p.Gln455Argfs*90) in the POR gene. It is expected to result in an absent or disrupted protein product. Loss-of-function variants in POR are known to be pathogenic (PMID: 14758361, 20732302, 21741353). This variant is present in population databases (rs781805159, gnomAD 0.005%). This premature translational stop signal has been observed in individuals with clinical features of POR deficiency (PMID: 19837910, 22162478). ClinVar contains an entry for this variant (Variation ID: 632505). For these reasons, this variant has been classified as Pathogenic.

Fulgent Genetics
Classification: Pathogenic for Antley-Bixler syndrome with genital anomalies and disordered steroidogenesis; Congenital adrenal hyperplasia due to cytochrome P450 oxidoreductase deficiency. Last evaluated: 2024-04-12. Review status: criteria provided, single submitter. Criteria: ACMG Guidelines, 2015. Collection method: clinical testing. Allele origin: germline.

Illumina Laboratory Services, Illumina
Classification: Likely pathogenic for Congenital adrenal hyperplasia due to cytochrome P450 oxidoreductase deficiency. Last evaluated: 2018-10-19. Review status: criteria provided, single submitter. Criteria: ICSL Variant Classification Criteria 09 May 2019. Collection method: clinical testing. Allele origin: germline.
Comment: The POR c.1363delC (p.Gln455ArgfsTer90) variant is a frameshift variant that is predicted to result in premature termination of the protein. The p.Gln455ArgfsTer90 variant has been reported in two studies and is found in a compound heterozygous state in a total of two individuals affected with cytochrome P450 oxidoreductase deficiency (Sahakitrungruang et al. 2009; Krone et al. 2012). The second variant identified in these individuals is either a missense variant or a splice site variant. Control data are unavailable for this variant, which is reported at a frequency of 0.000049 in the European (non-Finnish) population of the Genome Aggregation Database. Based on the evidence and the potential impact of frameshift variants, the p.Gln455ArgfsTer90 variant is classified as likely pathogenic for cytochrome P450 oxidoreductase deficiency. This variant was observed by ICSL as part of a predisposition screen in an ostensibly healthy population.

Literature cited by the submitters: PubMed 22162478 (cited by 3 submitters); PubMed 19837910 (cited by 3 submitters); PubMed 14758361 (cited by Labcorp Genetics (formerly Invitae), Labcorp); PubMed 20732302 (cited by Labcorp Genetics (formerly Invitae), Labcorp); PubMed 21741353 (cited by Labcorp Genetics (formerly Invitae), Labcorp).

NM_001395413.1(POR):c.1354del (p.Gln452fs)

Gene: POR (cytochrome p450 oxidoreductase; plus strand). Cytogenetic location: 7q11.23.
Variant type: Deletion.
Coding change: c.1354del on transcript NM_001395413.1 (MANE Select); coding-DNA position 1354, one base deleted (C; older notation c.1354delC).
Protein change: p.Gln452fs; shifts the reading frame from glutamine 452.
Molecular consequence: frameshift variant. On other transcripts: intron variant (1).
Genome position (GRCh38, 1-based): chr7:75,985,172, C deleted. VCF-style (leftmost placement, unchanged base first): chr7-75985171-GC-G. GRCh37 (hg19) VCF-style: chr7-75614489-GC-G.
Other names: c.1363delC (NM_000941.2); c.1354del, p.Gln452fs (NM_001367562.3, NM_001382657.2, NM_001382658.3 and 1 more transcripts); c.1408del, p.Gln470fs (NM_001382655.3); c.1239+214del (NM_001382662.3); c.1363del (NM_000941.2); c.1354delC (NM_001395413.1); short protein forms Q452fs, Q470fs.
Identifiers: ClinVar variation 632505 (VCV000632505.14), dbSNP rs781805159, ClinGen allele CA4304093.